The following is an entry in ClinVar:

ClinVar aggregate classification (germline): Pathogenic (1 of 4 stars; one submission).

Conditions:
Dilated cardiomyopathy 1DD (CMD1DD). Identifiers: Orphanet 154, MedGen C2750995, MONDO:0013168, OMIM 613172.

Submission:

Labcorp Genetics (formerly Invitae), Labcorp
Classification: Pathogenic for Dilated cardiomyopathy 1DD. Last evaluated: 2025-12-31. Review status: criteria provided, single submitter. Criteria: Invitae Variant Classification Sherloc (09022015). Collection method: clinical testing. Allele origin: germline.
Comment: This sequence change creates a premature translational stop signal (p.Pro664*) in the RBM20 gene. It is expected to result in an absent or disrupted protein product. Loss-of-function variants in RBM20 are known to be pathogenic (PMID: 20590677, 22004663, 38288598, 38510713, 40339755). This variant is not present in population databases (gnomAD no frequency). This variant has not been reported in the literature in individuals affected with RBM20-related conditions. ClinVar contains an entry for this variant (Variation ID: 1399883). For these reasons, this variant has been classified as Pathogenic.

Literature cited by the submitters: PubMed 20590677; PubMed 22004663; PubMed 38288598; PubMed 38510713; PubMed 40339755.

NM_001134363.3(RBM20):c.1990_2000del (p.Gly663_Pro664insTer)

Gene: RBM20 (RNA binding motif protein 20; plus strand). Cytogenetic location: 10q25.2.
Variant type: Deletion.
Coding change: c.1990_2000del on transcript NM_001134363.3 (MANE Select); coding-DNA positions 1990 to 2000, 11 bases deleted (CCCTCCCGGGC).
Protein change: p.Gly663_Pro664insTer.
Molecular consequence: nonsense.
Genome position (GRCh38, 1-based): chr10:110,812,387-110,812,397, CCCTCCCGGGC deleted; deleting any 11 consecutive bases within chr10:110,812,381-110,812,397 gives the same sequence; the c. name uses the placement nearest the transcript's 3' end. VCF-style (leftmost placement, unchanged base first): chr10-110812380-TCCGGGCCCCTC-T. GRCh37 (hg19) VCF-style: chr10-112572138-TCCGGGCCCCTC-T.
Identifiers: ClinVar variation 1399883 (VCV001399883.6), dbSNP rs2135103989, ClinGen allele CA2573145560.